The following is an entry in ClinVar:

NM_000642.3(AGL):c.665-385T>C

Gene: AGL (amylo-alpha-1,6-glucosidase and 4-alpha-glucanotransferase; plus strand). Cytogenetic location: 1p21.2.
Variant type: single nucleotide variant.
Coding change: c.665-385T>C on transcript NM_000642.3 (MANE Select); 385 bases into the intron before coding-DNA position 665, T replaced by C.
Molecular consequence: intron variant.
Genome position (GRCh38, 1-based): chr1:99,870,015, T>C. VCF-style: chr1-99870015-T-C. GRCh37 (hg19) VCF-style: chr1-100335571-T-C.
Other names: c.665-385T>C (NM_000643.3, NM_000644.3, NM_001425326.1 and 3 more transcripts); c.617-385T>C (NM_000646.3); c.461-385T>C (NM_001425328.1, NM_001425329.1); c.287-385T>C (NM_001425332.1).
Identifiers: ClinVar variation 4891143 (VCV004891143.1).

ClinVar aggregate classification (germline): Uncertain significance (1 of 4 stars; one submission).

gnomAD v4.1: 50 of 152,302 alleles (0.033%); highest among the groups gnomAD compares: Non-Finnish European, 0.063%; no homozygotes.

Submission:

Greenwood Genetic Center Diagnostic Laboratories, Greenwood Genetic Center
Classification: Uncertain significance. Last evaluated: 2026-06-10. Review status: criteria provided, single submitter. Criteria: ACMG Guidelines, 2015. Collection method: clinical testing. Allele origin: germline.
Comment: PM2, BP4